The following is an entry in ClinVar:

NM_172245.4(CSF2RA):c.1044-11_1044-10del

Gene: CSF2RA (colony stimulating factor 2 receptor subunit alpha; plus strand). Cytogenetic location: Xp22.33.
Variant type: Microsatellite.
Coding change: c.1044-11_1044-10del on transcript NM_172245.4 (MANE Select); 11 bases into the intron before coding-DNA position 1044 through 10 bases into the intron before coding-DNA position 1044, 2 bases deleted (CT; older notation c.1044-11_1044-10delCT).
Molecular consequence: intron variant.
Genome position (GRCh38, 1-based): chrX:1,305,435-1,305,436, CT deleted; deleting any 2 consecutive bases within chrX:1,305,432-1,305,436 gives the same sequence; the c. name uses the placement nearest the transcript's 3' end. VCF-style (leftmost placement, unchanged base first): chrX-1305431-TTC-T. GRCh37 (hg19) VCF-style: chrX-1424324-TTC-T.
Other names: c.1044-11_1044-10delCT (NM_006140.4); c.1044-11_1044-10del (NM_001379163.1, NM_001379159.1, NM_001379162.1 and 9 more transcripts); c.947-11_947-10del (NM_001379167.1, NM_001379169.1, NM_172247.3 and 1 more transcripts); c.1146-11_1146-10del (NM_001379154.1, NM_001161530.2, NM_001379153.1); c.947-3967_947-3966del (NM_172246.4); c.647-11_647-10del (NM_172249.4); c.1014-11_1014-10del (NM_001379160.1); c.855-11_855-10del (NM_001379166.1); and 1 more.
Identifiers: ClinVar variation 1603082 (VCV001603082.11), dbSNP rs750466661, ClinGen allele CA10331171.

ClinVar aggregate classification (germline): Likely benign. Review status: criteria provided, multiple submitters, no conflicts (2 of 4 stars). 3 submissions from 3 submitters: Likely benign (2). 1 of the submissions does not count toward it. Last evaluated 2025-12-30.

Conditions:
Surfactant metabolism dysfunction, pulmonary, 4 (SMDP4). Also called: CSF2RA DEFICIENCY; PAP DUE TO CSF2RA DEFICIENCY; PULMONARY ALVEOLAR PROTEINOSIS, CONGENITAL, 4. Identifiers: Orphanet 264675, MedGen C2677877, MONDO:0010424, OMIM 300770.
CSF2RA-related disorder. Also called: CSF2RA-related condition.

Submissions (3):

Labcorp Genetics (formerly Invitae), Labcorp
Classification: Likely benign for Surfactant metabolism dysfunction, pulmonary, 4. Last evaluated: 2025-12-30. Review status: criteria provided, single submitter. Criteria: Invitae Variant Classification Sherloc (09022015). Collection method: clinical testing. Allele origin: germline.

Blueprint Genetics
Classification: Likely benign. Last evaluated: 2024-11-14. Review status: criteria provided, single submitter. Criteria: ACMG Guidelines, 2015. Collection method: clinical testing. Allele origin: germline.

PreventionGenetics, part of Exact Sciences
Classification: Likely benign for CSF2RA-related condition. Last evaluated: 2024-01-20. Review status: no assertion criteria provided. Collection method: clinical testing. Allele origin: germline. Not counted in ClinVar's aggregate classification.
Comment: This variant is classified as likely benign based on ACMG/AMP sequence variant interpretation guidelines (Richards et al. 2015 PMID: 25741868, with internal and published modifications).